The following is an entry in ClinVar:

ClinVar aggregate classification (germline): Uncertain significance (1 of 4 stars; one submission).

gnomAD v4.1: 5 of 1,611,192 alleles (0.00031%); highest among the groups gnomAD compares: Middle Eastern, 0.017%; no homozygotes.

Submission:

GeneDx
Classification: Uncertain significance. Last evaluated: 2024-04-30. Review status: criteria provided, single submitter. Criteria: GeneDx Variant Classification Process June 2021. Collection method: clinical testing. Allele origin: germline. Affected: yes.
Comment: Not observed at significant frequency in large population cohorts (gnomAD); Missense variant in a gene in which most reported pathogenic variants are truncating/loss of function; Has not been previously published as pathogenic or benign to our knowledge

NM_001267550.2(TTN):c.56959A>G (p.Ile18987Val)

Genes: TTN (titin; minus strand), TTN-AS1 (TTN antisense RNA 1; plus strand). Cytogenetic location: 2q31.2.
Variant type: single nucleotide variant.
Coding change: c.56959A>G on transcript NM_001267550.2 (MANE Select); coding-DNA position 56959, A replaced by G.
Protein change: p.Ile18987Val; replaces isoleucine 18987 with valine.
Molecular consequence: missense variant.
Genome position (GRCh38, 1-based): chr2:178,598,751, T>C on the plus strand (A>G on the coding strand, the complement: TTN is on the minus strand). VCF-style: chr2-178598751-T-C. GRCh37 (hg19) VCF-style: chr2-179463478-T-C.
Other names: c.52036A>G, p.Ile17346Val (NM_001256850.1); c.29764A>G, p.Ile9922Val (NM_003319.4); c.49255A>G, p.Ile16419Val (NM_133378.4); c.30139A>G, p.Ile10047Val (NM_133432.3); c.30340A>G, p.Ile10114Val (NM_133437.4); short protein forms I10047V, I10114V, I16419V, I17346V, I18987V, I9922V.
Identifiers: ClinVar variation 3373290 (VCV003373290.1).